The following is an entry in ClinVar:

ClinVar aggregate classification (germline): Uncertain significance (1 of 4 stars; one submission).

Submission:

Labcorp Genetics (formerly Invitae), Labcorp
Classification: Uncertain significance. Last evaluated: 2025-07-01. Review status: criteria provided, single submitter. Criteria: Invitae Variant Classification Sherloc (09022015). Collection method: clinical testing. Allele origin: germline.
Comment: This sequence change replaces isoleucine, which is neutral and non-polar, with threonine, which is neutral and polar, at codon 278 of the DVL3 protein (p.Ile278Thr). This variant is not present in population databases (gnomAD no frequency). This variant has not been reported in the literature in individuals affected with DVL3-related conditions. Invitae Evidence Modeling of protein sequence and biophysical properties (such as structural, functional, and spatial information, amino acid conservation, physicochemical variation, residue mobility, and thermodynamic stability) indicates that this missense variant is expected to disrupt DVL3 protein function with a positive predictive value of 80%. In summary, the available evidence is currently insufficient to determine the role of this variant in disease. Therefore, it has been classified as a Variant of Uncertain Significance.

NM_004423.4(DVL3):c.833T>C (p.Ile278Thr)

Gene: DVL3 (dishevelled segment polarity protein 3; plus strand). Cytogenetic location: 3q27.1.
Variant type: single nucleotide variant.
Coding change: c.833T>C on transcript NM_004423.4 (MANE Select); coding-DNA position 833, T replaced by C.
Protein change: p.Ile278Thr; replaces isoleucine 278 with threonine.
Molecular consequence: missense variant.
Genome position (GRCh38, 1-based): chr3:184,166,195, T>C. VCF-style: chr3-184166195-T-C. GRCh37 (hg19) VCF-style: chr3-183883983-T-C.
Other names: short protein forms I278T.
Identifiers: ClinVar variation 4744349 (VCV004744349.1).